The following is an entry in ClinVar:

ClinVar aggregate classification (germline): Uncertain significance (1 of 4 stars; one submission).

gnomAD v4.1: 1 of 1,614,158 alleles (0.000062%); highest among the groups gnomAD compares: Non-Finnish European, 0.000085%; no homozygotes.

Submission:

Ambry Genetics
Classification: Uncertain significance. Last evaluated: 2025-06-15. Review status: criteria provided, single submitter. Criteria: Ambry Variant Classification Scheme 2023. Collection method: clinical testing. Allele origin: germline.
Comment: The p.M508V variant (also known as c.1522A>G), located in coding exon 1 of the TET2 gene, results from an A to G substitution at nucleotide position 1522. The methionine at codon 508 is replaced by valine, an amino acid with highly similar properties. This amino acid position is conserved. In addition, this alteration is predicted to be tolerated by in silico analysis. Based on the available evidence, the clinical significance of this variant remains unclear.

NM_001127208.3(TET2):c.1522A>G (p.Met508Val)

Genes: TET2 (tet methylcytosine dioxygenase 2; plus strand), TET2-AS1 (TET2 antisense RNA 1; minus strand). Cytogenetic location: 4q24.
Variant type: single nucleotide variant.
Coding change: c.1522A>G on transcript NM_001127208.3 (MANE Select); coding-DNA position 1522, A replaced by G.
Protein change: p.Met508Val; replaces methionine 508 with valine.
Molecular consequence: missense variant.
Genome position (GRCh38, 1-based): chr4:105,235,464, A>G. VCF-style: chr4-105235464-A-G. GRCh37 (hg19) VCF-style: chr4-106156621-A-G.
Other names: c.1522A>G, p.Met508Val (NM_017628.4); short protein forms M508V.
Identifiers: ClinVar variation 4182909 (VCV004182909.1).